The following is an entry in ClinVar:

ClinVar aggregate classification (germline): Uncertain significance (1 of 4 stars; one submission).

gnomAD v4.1: 18 of 1,611,376 alleles (0.0011%); highest among the groups gnomAD compares: South Asian, 0.0033%; no homozygotes.

Submission:

Labcorp Genetics (formerly Invitae), Labcorp
Classification: Uncertain significance. Last evaluated: 2024-11-19. Review status: criteria provided, single submitter. Criteria: Invitae Variant Classification Sherloc (09022015). Collection method: clinical testing. Allele origin: germline.
Comment: This sequence change replaces arginine, which is basic and polar, with histidine, which is basic and polar, at codon 344 of the TOP1MT protein (p.Arg344His). This variant is present in population databases (rs775918199, gnomAD 0.003%). This variant has not been reported in the literature in individuals affected with TOP1MT-related conditions. Invitae Evidence Modeling of protein sequence and biophysical properties (such as structural, functional, and spatial information, amino acid conservation, physicochemical variation, residue mobility, and thermodynamic stability) indicates that this missense variant is expected to disrupt TOP1MT protein function with a positive predictive value of 80%. In summary, the available evidence is currently insufficient to determine the role of this variant in disease. Therefore, it has been classified as a Variant of Uncertain Significance.

NM_052963.3(TOP1MT):c.1031G>A (p.Arg344His)

Gene: TOP1MT (DNA topoisomerase I mitochondrial; minus strand). Cytogenetic location: 8q24.3.
Variant type: single nucleotide variant.
Coding change: c.1031G>A on transcript NM_052963.3 (MANE Select); coding-DNA position 1031, G replaced by A.
Protein change: p.Arg344His; replaces arginine 344 with histidine.
Molecular consequence: missense variant.
Genome position (GRCh38, 1-based): chr8:143,321,316, C>T on the plus strand (G>A on the coding strand, the complement: TOP1MT is on the minus strand). VCF-style: chr8-143321316-C-T. GRCh37 (hg19) VCF-style: chr8-144403486-C-T.
Other names: c.737G>A, p.Arg246His (NM_001258446.1, NM_001258447.1); short protein forms R246H, R344H.
Identifiers: ClinVar variation 3715003 (VCV003715003.2).